The following is an entry in ClinVar:

ClinVar aggregate classification (germline): Uncertain significance (1 of 4 stars; one submission).

Conditions:
Inborn genetic diseases. Identifiers: MedGen C0950123, MeSH D030342.

gnomAD v4.1: 1 of 1,614,012 alleles (0.000062%); highest among the groups gnomAD compares: East Asian, 0.0022%; no homozygotes.

Submission:

Ambry Genetics
Classification: Uncertain significance for Inborn genetic diseases. Last evaluated: 2024-04-25. Review status: criteria provided, single submitter. Criteria: Ambry Variant Classification Scheme 2023. Collection method: clinical testing. Allele origin: germline.
Comment: The p.N178S variant (also known as c.533A>G), located in coding exon 5 of the EPAS1 gene, results from an A to G substitution at nucleotide position 533. The asparagine at codon 178 is replaced by serine, an amino acid with highly similar properties. This amino acid position is conserved. In addition, this alteration is predicted to be tolerated by in silico analysis. Based on the available evidence, the clinical significance of this variant remains unclear.

NM_001430.5(EPAS1):c.533A>G (p.Asn178Ser)

Genes: EPAS1 (endothelial PAS domain protein 1; plus strand), LOC126806210 (BRD4-independent group 4 enhancer GRCh37_chr2:46587586-46588785; plus strand). Cytogenetic location: 2p21.
Variant type: single nucleotide variant.
Coding change: c.533A>G on transcript NM_001430.5 (MANE Select); coding-DNA position 533, A replaced by G.
Protein change: p.Asn178Ser; replaces asparagine 178 with serine.
Molecular consequence: missense variant.
Genome position (GRCh38, 1-based): chr2:46,360,716, A>G. VCF-style: chr2-46360716-A-G. GRCh37 (hg19) VCF-style: chr2-46587855-A-G.
Other names: short protein forms N178S.
Identifiers: ClinVar variation 3275661 (VCV003275661.1).